The following is an entry in ClinVar:

NM_033026.6(PCLO):c.2317A>G (p.Thr773Ala)

Gene: PCLO (piccolo presynaptic cytomatrix protein; minus strand). Cytogenetic location: 7q21.11.
Variant type: single nucleotide variant.
Coding change: c.2317A>G on transcript NM_033026.6 (MANE Select); coding-DNA position 2317, A replaced by G.
Protein change: p.Thr773Ala; replaces threonine 773 with alanine.
Molecular consequence: missense variant.
Genome position (GRCh38, 1-based): chr7:83,135,233, T>C on the plus strand (A>G on the coding strand, the complement: PCLO is on the minus strand). VCF-style: chr7-83135233-T-C. GRCh37 (hg19) VCF-style: chr7-82764549-T-C.
Other names: c.2317A>G, p.Thr773Ala (NM_014510.3); short protein forms T773A.
Identifiers: ClinVar variation 1937465 (VCV001937465.5), dbSNP rs773516857, ClinGen allele CA4321277.

ClinVar aggregate classification (germline): Uncertain significance (1 of 4 stars; one submission).

Allele frequency attached by ClinVar (database versions not stated): gnomAD exomes below 0.00001; ExAC 0.00001; gnomAD 0.00003; TOPMed 0.00003.
gnomAD v4.1: 6 of 1,613,822 alleles (0.00037%); highest among the groups gnomAD compares: South Asian, 0.0022%; no homozygotes.

Submission:

Labcorp Genetics (formerly Invitae), Labcorp
Classification: Uncertain significance. Last evaluated: 2023-04-30. Review status: criteria provided, single submitter. Criteria: Invitae Variant Classification Sherloc (09022015). Collection method: clinical testing. Allele origin: germline.
Comment: In summary, the available evidence is currently insufficient to determine the role of this variant in disease. Therefore, it has been classified as a Variant of Uncertain Significance. Algorithms developed to predict the effect of missense changes on protein structure and function output the following: SIFT: "Not Available"; PolyPhen-2: "Not Available"; Align-GVGD: "Not Available". The alanine amino acid residue is found in multiple mammalian species, which suggests that this missense change does not adversely affect protein function. ClinVar contains an entry for this variant (Variation ID: 1937465). This variant has not been reported in the literature in individuals affected with PCLO-related conditions. This variant is present in population databases (rs773516857, gnomAD 0.004%). This sequence change replaces threonine, which is neutral and polar, with alanine, which is neutral and non-polar, at codon 773 of the PCLO protein (p.Thr773Ala).